The following is an entry in ClinVar:

NM_006329.4(FBLN5):c.125-1242C>T

Gene: FBLN5 (fibulin 5; minus strand). Cytogenetic location: 14q32.12.
Variant type: single nucleotide variant.
Coding change: c.125-1242C>T on transcript NM_006329.4 (MANE Select); 1242 bases into the intron before coding-DNA position 125, C replaced by T.
Molecular consequence: intron variant. On other transcripts: missense variant (1).
Genome position (GRCh38, 1-based): chr14:91,938,443, G>A on the plus strand (C>T on the coding strand, the complement: FBLN5 is on the minus strand). VCF-style: chr14-91938443-G-A. GRCh37 (hg19) VCF-style: chr14-92404787-G-A.
Other names: c.-44-1242C>T (NM_001384162.1, NM_001384161.1); c.176-1242C>T (NM_001384159.1); c.134C>T, p.Ser45Phe (NM_001384158.1); c.125-1242C>T (NM_001384160.1); short protein forms S45F.
Identifiers: ClinVar variation 2644464 (VCV002644464.24), dbSNP rs2056055009, ClinGen allele CA390640383.

ClinVar aggregate classification (germline): Uncertain significance (1 of 4 stars; one submission).

Submission:

CeGaT Center for Human Genetics Tuebingen
Classification: Uncertain significance. Last evaluated: 2022-05-01. Review status: criteria provided, single submitter. Criteria: CeGaT Center For Human Genetics Tuebingen Variant Classification Criteria Version 2. Collection method: clinical testing. Allele origin: germline. Affected: yes. Observed: 1 variant allele.
Comment: FBLN5: PM2, BP4